The following is an entry in ClinVar:

ClinVar aggregate classification (germline): Uncertain significance (1 of 4 stars; one submission).

Conditions:
Brugada syndrome 4 (BRGDA4). Identifiers: Orphanet 130, MedGen C2678477, MONDO:0012743, OMIM 611876.

Allele frequency attached by ClinVar (database versions not stated): gnomAD exomes 0.00001; ExAC 0.00002.
gnomAD v4.1: 7 of 1,613,966 alleles (0.00043%); highest among the groups gnomAD compares: South Asian, 0.0033%; no homozygotes.

Submission:

Labcorp Genetics (formerly Invitae), Labcorp
Classification: Uncertain significance for Brugada syndrome 4. Last evaluated: 2025-09-24. Review status: criteria provided, single submitter. Criteria: Invitae Variant Classification Sherloc (09022015). Collection method: clinical testing. Allele origin: germline.
Comment: This sequence change replaces serine, which is neutral and polar, with leucine, which is neutral and non-polar, at codon 272 of the CACNB2 protein (p.Ser272Leu). This variant is present in population databases (rs763712135, gnomAD 0.006%). This variant has not been reported in the literature in individuals affected with CACNB2-related conditions. ClinVar contains an entry for this variant (Variation ID: 969985). Invitae Evidence Modeling of protein sequence and biophysical properties (such as structural, functional, and spatial information, amino acid conservation, physicochemical variation, residue mobility, and thermodynamic stability) indicates that this missense variant is expected to disrupt CACNB2 protein function with a positive predictive value of 80%. In summary, the available evidence is currently insufficient to determine the role of this variant in disease. Therefore, it has been classified as a Variant of Uncertain Significance.

NM_201596.3(CACNB2):c.977C>T (p.Ser326Leu)

Gene: CACNB2 (calcium voltage-gated channel auxiliary subunit beta 2; plus strand). Cytogenetic location: 10p12.31.
Variant type: single nucleotide variant.
Coding change: c.977C>T on transcript NM_201596.3 (MANE Select); coding-DNA position 977, C replaced by T.
Protein change: p.Ser326Leu; replaces serine 326 with leucine.
Molecular consequence: missense variant.
Genome position (GRCh38, 1-based): chr10:18,527,620, C>T. VCF-style: chr10-18527620-C-T. GRCh37 (hg19) VCF-style: chr10-18816549-C-T.
Other names: c.812C>T, p.Ser271Leu (NM_000724.4); c.779C>T, p.Ser260Leu (NM_001167945.2); c.698C>T, p.Ser233Leu (NM_001330060.2); c.833C>T, p.Ser278Leu (NM_201570.3); c.893C>T, p.Ser298Leu (NM_201571.4); c.821C>T, p.Ser274Leu (NM_201572.4); c.815C>T, p.Ser272Leu (NM_201590.3); c.863C>T, p.Ser288Leu (NM_201593.3); and 1 more; short protein forms S260L, S272L, S298L, S233L, S274L, S271L, S302L, S326L.
Identifiers: ClinVar variation 969985 (VCV000969985.7), dbSNP rs763712135, ClinGen allele CA5429861.